The following is an entry in ClinVar:

ClinVar aggregate classification (germline): Pathogenic. Review status: criteria provided, multiple submitters, no conflicts (2 of 4 stars). 4 submissions from 4 submitters: Pathogenic (3). 1 of the submissions does not count toward it. Last evaluated 2025-10-13.

Conditions:
Glycine encephalopathy 1 (GCE1). Identifiers: MedGen CN376801, MONDO:0958179, OMIM 605899.
Glycine encephalopathy. Also called: Nonketotic hyperglycinemia; Non-ketotic hyperglycinemia. Identifiers: Orphanet 407, MedGen C0751748, MONDO:0011612, HP:0008288.

Submissions (4):

Labcorp Genetics (formerly Invitae), Labcorp
Classification: Pathogenic for Glycine encephalopathy. Last evaluated: 2025-10-13. Review status: criteria provided, single submitter. Criteria: Invitae Variant Classification Sherloc (09022015). Collection method: clinical testing. Allele origin: germline.
Comment: This sequence change creates a premature translational stop signal (p.Ser6Trpfs*89) in the AMT gene. It is expected to result in an absent or disrupted protein product. Loss-of-function variants in AMT are known to be pathogenic (PMID: 16450403). This variant is not present in population databases (gnomAD no frequency). This premature translational stop signal has been observed in individual(s) with AMT-related symptoms (PMID: 27362913). This variant is also known as c.13_16delGTAA. ClinVar contains an entry for this variant (Variation ID: 552502). For these reasons, this variant has been classified as Pathogenic.

Natera, Inc.
Classification: Pathogenic for Non-ketotic hyperglycinemia. Last evaluated: 2025-07-28. Review status: criteria provided, single submitter. Criteria: Natera Variant Classification Schema (03/2026). Collection method: clinical testing. Allele origin: germline.
Comment: The c.15_18delAAGT variant in AMT is a frameshift variant predicted to shift the reading frame beginning at codon 6 and leads to a stop codon 89 codons downstream. This variant is expected to result in nonsense mediated decay, truncation, or a dysfunctional protein product. This variant is rare in the general population with a frequency below the threshold expected for the associated phenotype(s). This variant has been observed in one or more individuals affected with the associated recessive disease, as either homozygous or compound heterozygous with a second variant (PMID: 27362913, 32712949). Given the available evidence, this variant is classified as Pathogenic.

Baylor Genetics
Classification: Pathogenic for Glycine encephalopathy 1. Last evaluated: 2022-12-14. Review status: criteria provided, single submitter. Criteria: ACMG Guidelines, 2015. Collection method: clinical testing. Allele origin: unknown.

Counsyl
Classification: Likely pathogenic for Glycine encephalopathy 1. Last evaluated: 2017-06-13. Review status: no assertion criteria provided. Collection method: clinical testing. Allele origin: unknown. Not counted in ClinVar's aggregate classification.

Literature cited by the submitters: PubMed 16450403 (cited by Labcorp Genetics (formerly Invitae), Labcorp); PubMed 27362913 (cited by Labcorp Genetics (formerly Invitae), Labcorp and Natera, Inc.); PubMed 32712949 (cited by Natera, Inc.).

NM_000481.4(AMT):c.15_18del (p.Ser6fs)

Genes: AMT (aminomethyltransferase; minus strand), NICN1 (nicolin 1, tubulin polyglutamylase complex subunit; minus strand). Cytogenetic location: 3p21.31.
Variant type: Deletion.
Coding change: c.15_18del on transcript NM_000481.4 (MANE Select); coding-DNA positions 15 to 18, 4 bases deleted (AAGT; older notation c.15_18delAAGT).
Protein change: p.Ser6fs; shifts the reading frame from serine 6.
Molecular consequence: frameshift variant. On other transcripts: non-coding transcript variant (1), 3 prime UTR variant (1).
Genome position (GRCh38, 1-based): chr3:49,422,433-49,422,436, ACTT deleted on the plus strand (AAGT on the coding strand, the reverse complement: AMT is on the minus strand); deleting any 4 consecutive bases within chr3:49,422,433-49,422,438 gives the same sequence; the c. name uses the placement nearest the transcript's 3' end. VCF-style (leftmost placement, unchanged base first): chr3-49422432-CACTT-C. GRCh37 (hg19) VCF-style: chr3-49459865-CACTT-C.
Other names: c.15_18delAAGT (NM_000481.3); c.15_18del (NM_001164712.1); c.13_16delGTAA, p.Ser6Trpfs (NM_000481.3); c.15_18del, p.Ser6fs (NM_001164710.2, NM_001164711.2, NM_001164712.2); c.*2397_*2400del (NM_032316.3); short protein forms S6fs.
Identifiers: ClinVar variation 552502 (VCV000552502.15), dbSNP rs1553638904, ClinGen allele CA658823341.